The following is an entry in ClinVar:

NM_000492.4(CFTR):c.1743A>T (p.Leu581Phe)

Gene: CFTR (CF transmembrane conductance regulator; plus strand). Cytogenetic location: 7q31.2.
Variant type: single nucleotide variant.
Coding change: c.1743A>T on transcript NM_000492.4 (MANE Select); coding-DNA position 1743, A replaced by T.
Protein change: p.Leu581Phe; replaces leucine 581 with phenylalanine.
Molecular consequence: missense variant.
Genome position (GRCh38, 1-based): chr7:117,590,416, A>T. VCF-style: chr7-117590416-A-T. GRCh37 (hg19) VCF-style: chr7-117230470-A-T.
Other names: short protein forms L581F.
Identifiers: ClinVar variation 2415737 (VCV002415737.6), dbSNP rs2485107419, ClinGen allele CA368977257.

ClinVar aggregate classification (germline): Uncertain significance (1 of 4 stars; one submission).

Conditions:
Cystic fibrosis (CF). Also called: MUCOVISCIDOSIS. Identifiers: Orphanet 586, MedGen C0010674, MONDO:0009061, OMIM 219700. Disease mechanism: loss of function.

Submission:

Labcorp Genetics (formerly Invitae), Labcorp
Classification: Uncertain significance for Cystic fibrosis. Last evaluated: 2022-07-03. Review status: criteria provided, single submitter. Criteria: Invitae Variant Classification Sherloc (09022015). Collection method: clinical testing. Allele origin: germline.
Comment: This sequence change replaces leucine, which is neutral and non-polar, with phenylalanine, which is neutral and non-polar, at codon 581 of the CFTR protein (p.Leu581Phe). This variant is not present in population databases (gnomAD no frequency). This variant has not been reported in the literature in individuals affected with CFTR-related conditions. Algorithms developed to predict the effect of missense changes on protein structure and function (SIFT, PolyPhen-2, Align-GVGD) all suggest that this variant is likely to be tolerated. Experimental studies are conflicting or provide insufficient evidence to determine the effect of this variant on CFTR function (PMID: 20551307). In summary, the available evidence is currently insufficient to determine the role of this variant in disease. Therefore, it has been classified as a Variant of Uncertain Significance.

Literature cited by the submitters: PubMed 20551307.